The following is an entry in ClinVar:

NM_001349253.2(SCN11A):c.3064G>T (p.Gly1022Cys)

Gene: SCN11A (sodium voltage-gated channel alpha subunit 11; minus strand). Cytogenetic location: 3p22.2.
Variant type: single nucleotide variant.
Coding change: c.3064G>T on transcript NM_001349253.2 (MANE Select); coding-DNA position 3064, G replaced by T.
Protein change: p.Gly1022Cys; replaces glycine 1022 with cysteine.
Molecular consequence: missense variant.
Genome position (GRCh38, 1-based): chr3:38,885,288, C>A on the plus strand (G>T on the coding strand, the complement: SCN11A is on the minus strand). VCF-style: chr3-38885288-C-A. GRCh37 (hg19) VCF-style: chr3-38926779-C-A.
Other names: c.3064G>T, p.Gly1022Cys (NM_014139.3); short protein forms G1022C.
Identifiers: ClinVar variation 541564 (VCV000541564.6), dbSNP rs144070491, ClinGen allele CA72990617.

ClinVar aggregate classification (germline): Uncertain significance. Review status: criteria provided, multiple submitters, no conflicts (2 of 4 stars). 2 submissions from 2 submitters: Uncertain significance (2). Last evaluated 2025-12-04.

Conditions:
SCN11A-related disorder. Also called: SCN11A-related condition.
Hereditary sensory and autonomic neuropathy type 7. Also called: Neuropathy, hereditary sensory and autonomic, type VII; HSAN VII. Identifiers: Orphanet 391397, MedGen C3809882, MONDO:0014244, OMIM 615548.
Familial episodic pain syndrome with predominantly lower limb involvement. Also called: Episodic pain syndrome, familial, 3. Identifiers: Orphanet 391384, Orphanet 391392, MedGen C3809899, MONDO:0014247, OMIM 615552.

Allele frequency attached by ClinVar (database versions not stated): TOPMed 0.00002; ESP Exome Variant Server 0.00015.
gnomAD v4.1: 2 of 1,581,862 alleles (0.00013%); highest among the groups gnomAD compares: Non-Finnish European, 0.00017%; no homozygotes.

Submissions (2):

PreventionGenetics, part of Exact Sciences
Classification: Uncertain significance for SCN11A-related condition. Last evaluated: 2025-12-04. Review status: criteria provided, single submitter. Criteria: ACMG Guidelines, 2015. Collection method: clinical testing. Allele origin: germline.
Comment: The SCN11A c.3064G>T variant is predicted to result in the amino acid substitution p.Gly1022Cys. Of note, this variant also occurs at the last nucleotide of the exon and is predicted to alter splicing based on available splicing prediction programs (SpliceAI, Jaganathan et al. 2019. PubMed ID: 30661751). However, the use of computer prediction programs is not equivalent to functional evidence. To our knowledge, this variant has not been reported in the literature or in a large population database (gnomAD), indicating this variant is rare. At this time, the clinical significance of this variant is uncertain due to the absence of conclusive functional and genetic evidence.

Labcorp Genetics (formerly Invitae), Labcorp
Classification: Uncertain significance for Familial episodic pain syndrome with predominantly lower limb involvement; Hereditary sensory and autonomic neuropathy type 7. Last evaluated: 2024-11-30. Review status: criteria provided, single submitter. Criteria: Invitae Variant Classification Sherloc (09022015). Collection method: clinical testing. Allele origin: germline.
Comment: This sequence change replaces glycine, which is neutral and non-polar, with cysteine, which is neutral and slightly polar, at codon 1022 of the SCN11A protein (p.Gly1022Cys). This variant also falls at the last nucleotide of exon 17, which is part of the consensus splice site for this exon. This variant is not present in population databases (gnomAD no frequency). This variant has not been reported in the literature in individuals affected with SCN11A-related conditions. ClinVar contains an entry for this variant (Variation ID: 541564). An algorithm developed to predict the effect of missense changes on protein structure and function (PolyPhen-2) suggests that this variant is likely to be disruptive. Variants that disrupt the consensus splice site are a relatively common cause of aberrant splicing (PMID: 17576681, 9536098). Algorithms developed to predict the effect of sequence changes on RNA splicing suggest that this variant may disrupt the consensus splice site. In summary, the available evidence is currently insufficient to determine the role of this variant in disease. Therefore, it has been classified as a Variant of Uncertain Significance.

Literature cited by the submitters: PubMed 17576681 (cited by Labcorp Genetics (formerly Invitae), Labcorp); PubMed 9536098 (cited by Labcorp Genetics (formerly Invitae), Labcorp).